The following is an entry in ClinVar:

ClinVar aggregate classification (germline): Uncertain significance (1 of 4 stars; one submission).

Conditions:
Hereditary cancer-predisposing syndrome. Also called: Tumor predisposition; Hereditary neoplastic syndrome; Hereditary Cancer Syndrome; Neoplastic Syndromes, Hereditary. Identifiers: Orphanet 140162, MedGen C0027672, MeSH D009386, MONDO:0015356.

gnomAD v4.1: 1 of 1,603,106 alleles (0.000062%); highest among the groups gnomAD compares: Non-Finnish European, 0.000085%; no homozygotes.

Submission:

Ambry Genetics
Classification: Uncertain significance for Hereditary cancer-predisposing syndrome. Last evaluated: 2025-06-14. Review status: criteria provided, single submitter. Criteria: Ambry Variant Classification Scheme 2023. Collection method: clinical testing. Allele origin: germline.
Comment: The p.P2808S variant (also known as c.8422C>T), located in coding exon 15 of the APC gene, results from a C to T substitution at nucleotide position 8422. The proline at codon 2808 is replaced by serine, an amino acid with similar properties. This amino acid position is conserved. In addition, in silico predictors for this gene do not accurately predict pathogenicity. Based on the available evidence, the clinical significance of this variant remains unclear.

NM_000038.6(APC):c.8422C>T (p.Pro2808Ser)

Gene: APC (APC regulator of Wnt signaling pathway; plus strand). Cytogenetic location: 5q22.2.
Variant type: single nucleotide variant.
Coding change: c.8422C>T on transcript NM_000038.6 (MANE Select); coding-DNA position 8422, C replaced by T.
Protein change: p.Pro2808Ser; replaces proline 2808 with serine.
Molecular consequence: missense variant. On other transcripts: non-coding transcript variant (2).
Genome position (GRCh38, 1-based): chr5:112,844,016, C>T. VCF-style: chr5-112844016-C-T. GRCh37 (hg19) VCF-style: chr5-112179713-C-T.
Other names: c.8173C>T, p.Pro2725Ser (NM_001407457.1, NM_001407454.1, NM_001407455.1 and 1 more transcripts); c.8119C>T, p.Pro2707Ser (NM_001407458.1, NM_001407459.1, NM_001407460.1 and 1 more transcripts); c.8035C>T, p.Pro2679Ser (NM_001407467.1, NM_001407469.1); c.7573C>T, p.Pro2525Ser (NM_001407470.1, NM_001354906.2); c.7270C>T, p.Pro2424Ser (NM_001407471.1, NM_001407472.1); c.8422C>T, p.Pro2808Ser (NM_001127510.3, NM_001354895.2, NM_001407450.1); c.8368C>T, p.Pro2790Ser (NM_001127511.3); c.8476C>T, p.Pro2826Ser (NM_001354896.2, NM_001407447.1, NM_001407448.1 and 1 more transcripts); and 11 more; short protein forms P2707S, P2749S, P2801S, P2525S, P2679S, P2717S, P2780S, P2798S.
Identifiers: ClinVar variation 3930100 (VCV003930100.1).
Genomic context (GRCh38, chr5:112,844,016, plus strand): 5'-CCAAGCCCTAGGAAAAGCAGCGCAGATAGCACTTCAGCTCGGCCATCTCAGATCCCAACT[C>T]CAGTGAATAACAACACAAAGAAGCGAGATTCCAAAACTGACAGCACAGAATCCAGTGGAA-3'
Protein context (NP_000029.2, residues 2798-2818): TSARPSQIPT[Pro2808Ser]VNNNTKKRDS